The following is an entry in ClinVar:

ClinVar aggregate classification (germline): Benign/Likely benign. Review status: criteria provided, multiple submitters, no conflicts (2 of 4 stars). 2 submissions from 2 submitters: Benign (1); Likely benign (1). Last evaluated 2024-06-24.

Conditions:
Familial cancer of breast. Also called: BREAST CANCER, FAMILIAL; hereditary breast carcinoma; Hereditary breast cancer. Identifiers: Orphanet 227535, MedGen C0346153, MONDO:0016419, OMIM 114480. Disease mechanism: loss of function.
Ataxia-telangiectasia syndrome (AT). Also called: ATAXIA-TELANGIECTASIA, COMPLEMENTATION GROUP A; ATAXIA-TELANGIECTASIA, FRESNO VARIANT; Ataxia-telangiectasia; Ataxia-telangiectasia, complementation group E; LOUIS-BAR SYNDROME; Cerebello-oculocutaneous telangiectasia. Identifiers: Orphanet 100, MedGen C0004135, MONDO:0008840, OMIM 208900.

Submissions (2):

Myriad Genetics, Inc.
Classification: Benign for Familial cancer of breast. Last evaluated: 2024-06-24. Review status: criteria provided, single submitter. Criteria: Myriad Autosomal Dominant, Autosomal Recessive and X-Linked Classification Criteria (2023). Collection method: clinical testing. Allele origin: unknown.
Comment: This variant is considered benign. This variant is a silent/synonymous amino acid change and it is not expected to impact splicing.

Labcorp Genetics (formerly Invitae), Labcorp
Classification: Likely benign for Ataxia-telangiectasia syndrome. Last evaluated: 2022-04-08. Review status: criteria provided, single submitter. Criteria: Invitae Variant Classification Sherloc (09022015). Collection method: clinical testing. Allele origin: germline.

NM_000051.4(ATM):c.8997C>T (p.Asp2999=)

Genes: ATM (ATM serine/threonine kinase; plus strand), C11orf65 (chromosome 11 open reading frame 65; minus strand). Cytogenetic location: 11q22.3.
Variant type: single nucleotide variant.
Coding change: c.8997C>T on transcript NM_000051.4 (MANE Select); coding-DNA position 8997, C replaced by T.
Protein change: p.Asp2999=; no amino-acid change (aspartic acid 2999 retained).
Molecular consequence: synonymous variant. On other transcripts: intron variant (2).
Genome position (GRCh38, 1-based): chr11:108,365,334, C>T. VCF-style: chr11-108365334-C-T. GRCh37 (hg19) VCF-style: chr11-108236061-C-T.
Other names: c.8997C>T, p.Asp2999= (NM_001351834.2); c.640+20586G>A (NM_001330368.2); c.694+20586G>A (NM_001351110.2).
Identifiers: ClinVar variation 2122915 (VCV002122915.5), dbSNP rs2137904857, ClinGen allele CA476745155.
Genomic context (GRCh38, chr11:108,365,334, plus strand): 5'-AAGGCCTTTAAACTGTTCACCTCACTGAAACCTTTGTGTTTTTGTCCTTAGTGATATTGA[C>T]CAGAGTTTCAACAAAGTAGCTGAACGTGTCTTAATGAGACTACAAGAGAAACTGAAAGGA-3'
Protein context (NP_000042.3, residues 2989-3009): QECKRNLSDI[Asp2999=]QSFNKVAERV